The following is an entry in ClinVar:

NM_001312673.2(PCYT1A):c.487-3C>A

Gene: PCYT1A (phosphate cytidylyltransferase 1A, choline; minus strand). Cytogenetic location: 3q29.
Variant type: single nucleotide variant.
Coding change: c.487-3C>A on transcript NM_001312673.2 (MANE Select); 3 bases into the intron before coding-DNA position 487, C replaced by A.
Molecular consequence: intron variant.
Genome position (GRCh38, 1-based): chr3:196,242,643, G>T on the plus strand (C>A on the coding strand, the complement: PCYT1A is on the minus strand). VCF-style: chr3-196242643-G-T. GRCh37 (hg19) VCF-style: chr3-195969514-G-T.
Other names: c.487-3C>A (NM_005017.4).
Identifiers: ClinVar variation 3727119 (VCV003727119.2).

ClinVar aggregate classification (germline): Uncertain significance (1 of 4 stars; one submission).

Submission:

Labcorp Genetics (formerly Invitae), Labcorp
Classification: Uncertain significance. Last evaluated: 2025-02-28. Review status: criteria provided, single submitter. Criteria: Invitae Variant Classification Sherloc (09022015). Collection method: clinical testing. Allele origin: germline.
Comment: This sequence change falls in intron 6 of the PCYT1A gene. It does not directly change the encoded amino acid sequence of the PCYT1A protein. It affects a nucleotide within the consensus splice site. This variant is not present in population databases (gnomAD no frequency). This variant has not been reported in the literature in individuals affected with PCYT1A-related conditions. Variants that disrupt the consensus splice site are a relatively common cause of aberrant splicing (PMID: 17576681, 9536098). Algorithms developed to predict the effect of sequence changes on RNA splicing suggest that this variant may disrupt the consensus splice site. In summary, the available evidence is currently insufficient to determine the role of this variant in disease. Therefore, it has been classified as a Variant of Uncertain Significance.

Literature cited by the submitters: PubMed 17576681; PubMed 9536098.